The following is an entry in ClinVar:

NM_012210.4(TRIM32):c.1018C>A (p.Pro340Thr)

Genes: ASTN2 (astrotactin 2; minus strand), TRIM32 (tripartite motif containing 32; plus strand). Cytogenetic location: 9q33.1.
Variant type: single nucleotide variant.
Coding change: c.1018C>A on transcript NM_012210.4 (MANE Select); coding-DNA position 1018, C replaced by A.
Protein change: p.Pro340Thr; replaces proline 340 with threonine.
Molecular consequence: missense variant. On other transcripts: intron variant (3).
Genome position (GRCh38, 1-based): chr9:116,698,760, C>A. VCF-style: chr9-116698760-C-A. GRCh37 (hg19) VCF-style: chr9-119461039-C-A.
Other names: c.1018C>A, p.Pro340Thr (NM_001099679.2, NM_001379048.1, NM_001379049.1 and 1 more transcripts); c.2653+27011G>T (NM_014010.5); c.2794+27011G>T (NM_001365069.1); c.2806+27011G>T (NM_001365068.1); short protein forms P340T.
Identifiers: ClinVar variation 2200316 (VCV002200316.3), dbSNP rs150586381, ClinGen allele CA5211091.

ClinVar aggregate classification (germline): Uncertain significance. Review status: criteria provided, multiple submitters, no conflicts (2 of 4 stars). 3 submissions from 3 submitters: Uncertain significance (3). Last evaluated 2026-09-15.

Conditions:
Bardet-Biedl syndrome (BBS). Identifiers: Orphanet 110, MedGen C0752166, MONDO:0015229.
Bardet-Biedl syndrome 11 (BBS11). Identifiers: Orphanet 110, MedGen C1859569, MONDO:0014439, OMIM 615988.
Sarcotubular myopathy (LGMDR8). Also called: Limb-girdle muscular dystrophy, type 2H; Autosomal recessive limb-girdle muscular dystrophy type 2H; MUSCULAR DYSTROPHY, LIMB-GIRDLE, AUTOSOMAL RECESSIVE 8; Hutterite type of muscular dystrophy. Identifiers: Orphanet 1878, MedGen C0270968, MONDO:0009683, OMIM 254110.
TRIM32-related disorder. Also called: TRIM32-related condition.

Allele frequency attached by ClinVar (database versions not stated): gnomAD 0.00001; ExAC 0.00002; TOPMed 0.00002; ESP Exome Variant Server 0.00008.
gnomAD v4.1: 3 of 1,614,054 alleles (0.00019%); highest among the groups gnomAD compares: African/African-American, 0.004%; no homozygotes.

Submissions (3):

PreventionGenetics, part of Exact Sciences
Classification: Uncertain significance for TRIM32-related condition. Last evaluated: 2026-09-15. Review status: criteria provided, single submitter. Criteria: ACMG Guidelines, 2015. Collection method: clinical testing. Allele origin: germline.
Comment: The TRIM32 c.1018C>A variant is predicted to result in the amino acid substitution p.Pro340Thr. To our knowledge, this variant has not been reported in the literature. This variant is reported in 0.012% of alleles in individuals of African descent in gnomAD. At this time, the clinical significance of this variant is uncertain due to the absence of conclusive functional and genetic evidence.

Fulgent Genetics
Classification: Uncertain significance for Sarcotubular myopathy; Bardet-Biedl syndrome 11. Last evaluated: 2024-04-11. Review status: criteria provided, single submitter. Criteria: ACMG Guidelines, 2015. Collection method: clinical testing. Allele origin: germline.

Labcorp Genetics (formerly Invitae), Labcorp
Classification: Uncertain significance for Bardet-Biedl syndrome. Last evaluated: 2022-07-01. Review status: criteria provided, single submitter. Criteria: Invitae Variant Classification Sherloc (09022015). Collection method: clinical testing. Allele origin: germline.
Comment: This sequence change replaces proline, which is neutral and non-polar, with threonine, which is neutral and polar, at codon 340 of the TRIM32 protein (p.Pro340Thr). This variant is present in population databases (rs150586381, gnomAD 0.01%). This variant has not been reported in the literature in individuals affected with TRIM32-related conditions. Algorithms developed to predict the effect of missense changes on protein structure and function (SIFT, PolyPhen-2, Align-GVGD) all suggest that this variant is likely to be tolerated. In summary, the available evidence is currently insufficient to determine the role of this variant in disease. Therefore, it has been classified as a Variant of Uncertain Significance.